The following is an entry in ClinVar:

ClinVar aggregate classification (germline): Likely pathogenic. Review status: reviewed by expert panel (3 of 4 stars). 4 submissions from 4 submitters: Likely pathogenic (1). 3 of the submissions do not count toward it. Last evaluated 2025-05-15.

Conditions:
Familial adenomatous polyposis 1 (FAP1). Also called: FAMILIAL ADENOMATOUS POLYPOSIS 1, ATTENUATED; POLYPOSIS, ADENOMATOUS INTESTINAL. Identifiers: MedGen C2713442, MONDO:0021056, OMIM 175100. Disease mechanism: loss of function.
Hereditary cancer-predisposing syndrome. Also called: Neoplastic Syndromes, Hereditary; Tumor predisposition; Hereditary Cancer Syndrome; Hereditary neoplastic syndrome. Identifiers: Orphanet 140162, MedGen C0027672, MeSH D009386, MONDO:0015356.

Submissions (4):

ClinGen InSiGHT Hereditary Colorectal Cancer/Polyposis Variant Curation Expert Panel
Classification: Likely pathogenic for Familial adenomatous polyposis 1. Last evaluated: 2025-05-15. Review status: reviewed by expert panel. Criteria: ClinGen InSiGHT HCCP VCEP ACMG Specifications APC V1. Collection method: curation. Allele origin: germline. Inheritance: Autosomal dominant inheritance.
Comment: The NM_000038.6(APC):c.7803_7807del (p.Ser2601ArgfsTer17) variant in APC is a frameshift variant located between codon 49 and 2645 and predicted to cause a premature stop codon in exon 16 in a gene in which loss-of-function is an established disease mechanism (PVS1). This variant is absent from gnomAD v2.1.1 (PM2_Supporting). This variant has been reported in 1 proband with a colorectal cancer/polyposis associated phenotype not meeting phenotypic criteria (PS4 not met; internal data Labcorp Genetics [formerly Invitae]). In summary, this variant meets the criteria to be classified as Likely Pathogenic for autosomal-dominant inherited FAP based on the ACMG/AMP criteria applied, as specified by the ClinGen InSiGHT Hereditary Colorectal Cancer/Polyposis VCEP: PVS1 and PM2_Supporting (VCEP specifications version v2.1.0; date of approval 11/24/2023).

Color Diagnostics, LLC DBA Color Health
Classification: Pathogenic for Hereditary cancer-predisposing syndrome. Last evaluated: 2024-03-21. Review status: criteria provided, single submitter. Criteria: ACMG Guidelines, 2015. Collection method: clinical testing. Allele origin: germline. Not counted in ClinVar's aggregate classification.
Comment: This variant deletes 5 nucleotides in exon 16 of the APC gene, creating a frameshift and premature translation stop signal in the last coding exon. This mutant transcript is predicted to escape nonsense-mediated decay and be expressed as a truncated protein. Although functional studies have not been reported, this variant is expected to disrupt the EB1 and HDLG binding domains (PMID: 11257105). To our knowledge, this variant has not been reported in individuals affected with APC-related disorders in the literature. This variant has not been identified in the general population by the Genome Aggregation Database (gnomAD). In addition, truncating variants occurring downstream of this variant are known to be disease-causing (ClinVar variation ID: 486770). Loss of APC function is a known mechanism of disease. Based on the available evidence, this variant is classified as Pathogenic.

Ambry Genetics
Classification: Likely pathogenic for Hereditary cancer-predisposing syndrome. Last evaluated: 2023-01-26. Review status: criteria provided, single submitter. Criteria: Ambry Variant Classification Scheme 2023. Collection method: clinical testing. Allele origin: germline. Not counted in ClinVar's aggregate classification.
Comment: The c.7803_7807delTAAAG variant, located in coding exon 15 of the APC gene, results from a deletion of 5 nucleotides at nucleotide positions 7803 to 7807, causing a translational frameshift with a predicted alternate stop codon (p.S2601Rfs*17). This alteration occurs at the 3' terminus of the APC gene, is not expected to trigger nonsense-mediated mRNA decay, and only impacts the last 244 amino acids of the protein. However, premature stop codons are typically deleterious in nature and the impacted region is critical for protein function (Ambry internal data). This variant is considered to be rare based on population cohorts in the Genome Aggregation Database (gnomAD). Based on the majority of available evidence to date, this variant is likely to be pathogenic.

Labcorp Genetics (formerly Invitae), Labcorp
Classification: Pathogenic for Familial adenomatous polyposis 1. Last evaluated: 2021-09-19. Review status: criteria provided, single submitter. Criteria: Invitae Variant Classification Sherloc (09022015). Collection method: clinical testing. Allele origin: germline. Not counted in ClinVar's aggregate classification.
Comment: This sequence change creates a premature translational stop signal (p.Ser2601Argfs*17) in the APC gene. While this is not anticipated to result in nonsense mediated decay, it is expected to disrupt the last 243 amino acid(s) of the APC protein. This variant is expected to disrupt the EB1 and HDLG binding sites, which mediate interactions with the cytoskeleton (PMID: 15311282, 17293347). While functional studies have not been performed to directly test the effect on APC protein function, this suggests that disruption of the C-terminal portion of the protein is functionally important. A different truncation (p.Tyr2645Lysfs*14) that lies downstream of this variant has been determined to be pathogenic (PMID: 9824584, 1316610, 27081525, 8381579, 22135120, Invitae). This suggests that deletion of this region of the APC protein is causative of disease. For these reasons, this variant has been classified as Pathogenic. ClinVar contains an entry for this variant (Variation ID: 648862). This variant has not been reported in the literature in individuals affected with APC-related conditions. This variant is not present in population databases (ExAC no frequency).

Literature cited by the submitters: PubMed 11257105 (cited by Color Diagnostics, LLC DBA Color Health); PubMed 15311282 (cited by Labcorp Genetics (formerly Invitae), Labcorp); PubMed 17293347 (cited by Labcorp Genetics (formerly Invitae), Labcorp); PubMed 9824584 (cited by Labcorp Genetics (formerly Invitae), Labcorp); PubMed 1316610 (cited by Labcorp Genetics (formerly Invitae), Labcorp); PubMed 27081525 (cited by Labcorp Genetics (formerly Invitae), Labcorp); PubMed 8381579 (cited by Labcorp Genetics (formerly Invitae), Labcorp); PubMed 22135120 (cited by Labcorp Genetics (formerly Invitae), Labcorp).

NM_000038.6(APC):c.7803_7807del (p.Ser2601fs)

Gene: APC (APC regulator of Wnt signaling pathway; plus strand). Cytogenetic location: 5q22.2.
Variant type: Deletion.
Coding change: c.7803_7807del on transcript NM_000038.6 (MANE Select); coding-DNA positions 7803 to 7807, 5 bases deleted (TAAAG; older notation c.7803_7807delTAAAG).
Protein change: p.Ser2601fs; shifts the reading frame from serine 2601.
Molecular consequence: frameshift variant.
Genome position (GRCh38, 1-based): chr5:112,843,397-112,843,401, TAAAG deleted; deleting any 5 consecutive bases within chr5:112,843,393-112,843,401 gives the same sequence; the c. name uses the placement nearest the transcript's 3' end. VCF-style (leftmost placement, unchanged base first): chr5-112843392-CAAAGT-C. GRCh37 (hg19) VCF-style: chr5-112179089-CAAAGT-C.
Other names: NM_000038.6(APC):c.7803_7807del; p.Ser2601fs; c.7803_7807del, p.Ser2601fs (NM_001127510.3, NM_001354895.2); c.7749_7753del, p.Ser2583fs (NM_001127511.3); c.7857_7861del, p.Ser2619fs (NM_001354896.2); c.7833_7837del, p.Ser2611fs (NM_001354897.2); c.7728_7732del, p.Ser2576fs (NM_001354898.2); c.7719_7723del, p.Ser2573fs (NM_001354899.2); and 8 more; short protein forms S2542fs, S2560fs, S2619fs, S2510fs, S2576fs, S2611fs, S2318fs, S2601fs.
Identifiers: ClinVar variation 648862 (VCV000648862.13), dbSNP rs1580686729, ClinGen allele CA915943525.